The following is an entry in ClinVar:

ClinVar aggregate classification (germline): Uncertain significance (1 of 4 stars; one submission).

Submission:

Ambry Genetics
Classification: Uncertain significance. Last evaluated: 2025-11-29. Review status: criteria provided, single submitter. Criteria: Ambry Variant Classification Scheme 2023. Collection method: clinical testing. Allele origin: germline.
Comment: The p.A1383V variant (also known as c.4148C>T), located in coding exon 11 of the MLH3 gene, results from a C to T substitution at nucleotide position 4148. The alanine at codon 1383 is replaced by valine, an amino acid with similar properties. This amino acid position is conserved. In addition, this alteration is predicted to be tolerated by in silico analysis. Since supporting evidence is limited at this time, the clinical significance of this alteration remains unclear.

NM_001040108.2(MLH3):c.4148C>T (p.Ala1383Val)

Gene: MLH3 (mutL homolog 3; minus strand). Cytogenetic location: 14q24.3.
Variant type: single nucleotide variant.
Coding change: c.4148C>T on transcript NM_001040108.2 (MANE Select); coding-DNA position 4148, C replaced by T.
Protein change: p.Ala1383Val; replaces alanine 1383 with valine.
Molecular consequence: missense variant.
Genome position (GRCh38, 1-based): chr14:75,018,923, G>A on the plus strand (C>T on the coding strand, the complement: MLH3 is on the minus strand). VCF-style: chr14-75018923-G-A. GRCh37 (hg19) VCF-style: chr14-75485626-G-A.
Other names: c.4076C>T, p.Ala1359Val (NM_014381.3); short protein forms A1383V, A1359V.
Identifiers: ClinVar variation 2448661 (VCV002448661.3), dbSNP rs1890082647, ClinGen allele CA390419904.